The following is an entry in ClinVar:

ClinVar aggregate classification (germline): Benign/Likely benign. Review status: criteria provided, multiple submitters, no conflicts (2 of 4 stars). 15 submissions from 15 submitters: Benign (7); Likely benign (5). 3 of the submissions do not count toward it. Last evaluated 2026-07-01.

Conditions:
CBL-related disorder. Also called: NOONAN SYNDROME-LIKE DISORDER WITHOUT JUVENILE MYELOMONOCYTIC LEUKEMIA; CBL MUTATION-ASSOCIATED SYNDROME; CBL SYNDROME. Identifiers: Orphanet 363972, MedGen C3150803, MONDO:0013308, OMIM 613563.
Noonan syndrome and Noonan-related syndrome. Identifiers: Orphanet 98733, MedGen C5681679, MONDO:0020297.
Juvenile myelomonocytic leukemia (JMML). Also called: LEUKEMIA, JUVENILE MYELOMONOCYTIC, SOMATIC. Identifiers: Orphanet 86834, MedGen C0349639, MONDO:0011908, OMIM 607785, HP:0012209.
Cardiovascular phenotype. Identifiers: MedGen CN230736.
RASopathy. Also called: rasopathies; Noonan spectrum disorder. Identifiers: Orphanet 536391, MedGen C5555857, MONDO:0021060.

Submissions (15):

CeGaT Center for Human Genetics Tuebingen
Classification: Likely benign. Last evaluated: 2026-07-01. Review status: criteria provided, single submitter. Criteria: CeGaT Center For Human Genetics Tuebingen Variant Classification Criteria Version 2. Collection method: clinical testing. Allele origin: germline. Affected: yes. Observed: 5 variant alleles.
Comment: CBL: BS1

Labcorp Genetics (formerly Invitae), Labcorp
Classification: Benign for RASopathy. Last evaluated: 2026-02-01. Review status: criteria provided, single submitter. Criteria: Invitae Variant Classification Sherloc (09022015). Collection method: clinical testing. Allele origin: germline.

Blueprint Genetics
Classification: Likely benign. Last evaluated: 2024-11-25. Review status: criteria provided, single submitter. Criteria: ACMG Guidelines, 2015. Collection method: clinical testing. Allele origin: germline.

Genetic Services Laboratory, University of Chicago
Classification: Benign. Last evaluated: 2022-01-04. Review status: criteria provided, single submitter. Criteria: ACMG Guidelines, 2015. Collection method: clinical testing. Allele origin: germline. Affected: no.

Ambry Genetics
Classification: Benign for Cardiovascular phenotype. Last evaluated: 2021-12-20. Review status: criteria provided, single submitter. Criteria: Ambry Variant Classification Scheme 2023. Collection method: clinical testing. Allele origin: germline.

Fulgent Genetics
Classification: Benign for Juvenile myelomonocytic leukemia; CBL-related disorder. Last evaluated: 2021-12-05. Review status: criteria provided, single submitter. Criteria: ACMG Guidelines, 2015. Collection method: clinical testing. Allele origin: unknown.

Genome Diagnostics Laboratory, The Hospital for Sick Children
Classification: Benign for Noonan syndrome and Noonan-related syndrome. Last evaluated: 2020-12-08. Review status: criteria provided, single submitter. Criteria: ACMG Guidelines, 2015. Collection method: clinical testing. Allele origin: germline.

Women's Health and Genetics/Laboratory Corporation of America, LabCorp
Classification: Benign. Last evaluated: 2019-12-10. Review status: criteria provided, single submitter. Criteria: LabCorp Variant Classification Summary - May 2015. Collection method: clinical testing. Allele origin: germline.
Comment: Variant summary: CBL c.125_127dupACC (p.His42dup) results in a in-frame duplication which adds an additional histidine residue to a short repeat of 7 histidines. The variant allele was found at a frequency of 0.002 in 151840 control chromosomes, predominantly at a frequency of 0.011 within the African or African-American subpopulation in the gnomAD database. The observed variant frequency within African or African-American control individuals in the gnomAD database is approximately 4400 fold of the estimated maximal expected allele frequency for a pathogenic variant in CBL causing Noonan Syndrome and Related Conditions phenotype (2.5e-06), strongly suggesting that the variant is a benign polymorphism found primarily in populations of African or African-American origin. To our knowledge, no experimental evidence demonstrating its impact on protein function have been reported. Six ClinVar submitters (evaluation after 2014) cite the variant as benign/likely benign. Based on the evidence outlined above, the variant was classified as benign.

Center for Pediatric Genomic Medicine, Children's Mercy Hospital and Clinics
Classification: Likely benign. Last evaluated: 2017-05-11. Review status: criteria provided, single submitter. Criteria: ACMG Guidelines, 2015. Collection method: clinical testing. Allele origin: germline.

GeneDx
Classification: Benign. Last evaluated: 2016-03-11. Review status: criteria provided, single submitter. Criteria: GeneDx Variant Classification (06012015). Collection method: clinical testing. Allele origin: germline. Affected: yes.
Comment: This variant is considered likely benign or benign based on one or more of the following criteria: it is a conservative change, it occurs at a poorly conserved position in the protein, it is predicted to be benign by multiple in silico algorithms, and/or has population frequency not consistent with disease.

Eurofins Ntd Llc (ga)
Classification: Likely benign. Last evaluated: 2015-05-19. Review status: criteria provided, single submitter. Criteria: EGL Classification Definitions. Collection method: clinical testing. Allele origin: germline. Observed: 2 variant alleles, 2 heterozygotes.

Laboratory for Molecular Medicine, Mass General Brigham Personalized Medicine
Classification: Likely benign. Last evaluated: 2014-10-31. Review status: criteria provided, single submitter. Criteria: LMM Criteria. Collection method: clinical testing. Allele origin: germline. Observed: 4 variant alleles.
Comment: c.125_127dupACC in exon 1 of CBL: This variant is not expected to have clinical significance because it has been identified in 0.2% (13/6806) of European Americ an and 0.8% (27/3260) of African American chromosomes by the NHLBI Exome Sequenc ing Project (dbSNP rs397507488). This variant is an in-frame duplication which adds an additional histidine residue (His) to a short repeat of 7 histidines. Additionally, the number of histidines is not co nserved across species.

PreventionGenetics, part of Exact Sciences
Classification: Benign for CBL-related condition. Last evaluated: 2019-05-17. Review status: no assertion criteria provided. Collection method: clinical testing. Allele origin: germline. Not counted in ClinVar's aggregate classification.
Comment: This variant is classified as benign based on ACMG/AMP sequence variant interpretation guidelines (Richards et al. 2015 PMID: 25741868, with internal and published modifications).

Clinical Genetics, Academic Medical Center
Classification: Likely benign. Review status: no assertion criteria provided. Collection method: clinical testing. Allele origin: germline. Affected: yes. Study: VKGL Data-share Consensus. Not counted in ClinVar's aggregate classification.

Laboratory of Diagnostic Genome Analysis, Leiden University Medical Center (LUMC)
Classification: Likely benign. Review status: no assertion criteria provided. Collection method: clinical testing. Allele origin: germline. Affected: yes. Study: VKGL Data-share Consensus. Not counted in ClinVar's aggregate classification.

Literature cited by the submitters: PubMed 25224413 (cited by Women's Health and Genetics/Laboratory Corporation of America, LabCorp); PubMed 21828135 (cited by Women's Health and Genetics/Laboratory Corporation of America, LabCorp); PubMed 23690417 (cited by Women's Health and Genetics/Laboratory Corporation of America, LabCorp); PubMed 19387008 (cited by Women's Health and Genetics/Laboratory Corporation of America, LabCorp); PubMed 19901108 (cited by Women's Health and Genetics/Laboratory Corporation of America, LabCorp); PubMed 20951944 (cited by Women's Health and Genetics/Laboratory Corporation of America, LabCorp); PubMed 19620960 (cited by Women's Health and Genetics/Laboratory Corporation of America, LabCorp); PubMed 22733026 (cited by Women's Health and Genetics/Laboratory Corporation of America, LabCorp); PubMed 29296819 (cited by Women's Health and Genetics/Laboratory Corporation of America, LabCorp); PubMed 27069254 (cited by Women's Health and Genetics/Laboratory Corporation of America, LabCorp).

NM_005188.4(CBL):c.107ACC[8] (p.His42dup)

Genes: CBL (Cbl proto-oncogene; plus strand), LOC130006895 (ATAC-STARR-seq lymphoblastoid silent region 3975; plus strand). Cytogenetic location: 11q23.3.
Variant type: Microsatellite.
Coding change: c.107ACC[8] on transcript NM_005188.4 (MANE Select); eight copies in a row of the 3-base unit ACC starting at c.107; the reference has seven copies in a row; one copy, 3 bases duplicated; also written c.125_127dup.
Protein change: p.His42dup; duplicates histidine 42.
Molecular consequence: inframe insertion.
Genome position (GRCh38, 1-based): chr11:119,206,542-119,206,544, ACC duplicated; duplicating any 3 consecutive bases within chr11:119,206,523-119,206,544 gives the same sequence; the position shown is the placement nearest the transcript's 3' end. VCF-style (leftmost placement, unchanged base first): chr11-119206522-G-GCAC. GRCh37 (hg19) VCF-style: chr11-119077232-G-GCAC.
Other names: p.His42_Leu43insHis; c.125_127dupACC (NM_005188.2, NM_005188.3); c.125_127dup (NM_005188.4).
Identifiers: ClinVar variation 40400 (VCV000040400.64), dbSNP rs373212940, ClinGen allele CA135700.
Genomic context (GRCh38, chr11:119,206,522, plus strand): 5'-CGGCTCCGGGGGCTCGGGTTCGGGTGGCCTGATTGGGCTCATGAAGGACGCCTTCCAGCC[G>GCAC]CACCACCACCACCACCACCACCTCAGCCCCCACCCGCCGGGGACGGTGGACAAGAAGATG-3'